The following is an entry in ClinVar:

NM_145649.5(GCNT2):c.*1174T>C

Gene: GCNT2 (glucosaminyl (N-acetyl) transferase 2 (I blood group); plus strand). Cytogenetic location: 6p24.2.
Variant type: single nucleotide variant.
Coding change: c.*1174T>C on transcript NM_145649.5 (MANE Select); 1174 bases downstream of the stop codon, T replaced by C.
Molecular consequence: 3 prime UTR variant.
Genome position (GRCh38, 1-based): chr6:10,627,781, T>C. VCF-style: chr6-10627781-T-C. GRCh37 (hg19) VCF-style: chr6-10628014-T-C.
Other names: c.*1174T>C (NM_001374747.1, NM_001491.3, NM_145655.4).
Identifiers: ClinVar variation 354727 (VCV000354727.5), dbSNP rs13210512, ClinGen allele CA10625475.

ClinVar aggregate classification (germline): Benign (1 of 4 stars; one submission).

Conditions:
Blood group, I system (Ii). Identifiers: MedGen C0020717, OMIM 110800.

Allele frequency attached by ClinVar (database versions not stated): gnomAD 0.08322 and 0.08755; TOPMed 0.08364; 1000 Genomes Project 30x 0.10650; 1000 Genomes Project 0.10942.

Submission:

Illumina Laboratory Services, Illumina
Classification: Benign for Blood group, I system. Last evaluated: 2018-01-13. Review status: criteria provided, single submitter. Criteria: ICSL Variant Classification Criteria 13 December 2019. Collection method: clinical testing. Allele origin: germline.
Comment: This variant was observed in the ICSL laboratory as part of a predisposition screen in an ostensibly healthy population. It had not been previously curated by ICSL or reported in the Human Gene Mutation Database (HGMD: prior to June 1st, 2018), and was therefore a candidate for classification through an automated scoring system. Utilizing variant allele frequency, disease prevalence and penetrance estimates, and inheritance mode, an automated score was calculated to assess if this variant is too frequent to cause the disease. Based on the score and internal cut-off values, a variant classified as benign is not then subjected to further curation. The score for this variant resulted in a classification of benign for this disease.